The following is an entry in ClinVar:

ClinVar aggregate classification (germline): Uncertain significance (1 of 4 stars; one submission).

Conditions:
Creatine transporter deficiency (CCDS1). Also called: Mental retardation , X-linked with seizures, short stature and midface hypoplasia; Mental retardation , X-linked, with creatine transport deficiency; X-linked creatine transporter deficiency; X-linked creatine deficiency syndrome; SLC6A8-Related Creatine Transporter Deficiency; CREATINE TRANSPORTER DEFECT. Identifiers: Orphanet 52503, MedGen C1845862, MONDO:0010305, OMIM 300352.

Submission:

Labcorp Genetics (formerly Invitae), Labcorp
Classification: Uncertain significance for Creatine transporter deficiency. Last evaluated: 2024-02-16. Review status: criteria provided, single submitter. Criteria: Invitae Variant Classification Sherloc (09022015). Collection method: clinical testing. Allele origin: germline.
Comment: This sequence change falls in intron 3 of the SLC6A8 gene. It does not directly change the encoded amino acid sequence of the SLC6A8 protein. Information on the frequency of this variant in the gnomAD database is not available, as this variant may be reported differently in the database. This variant has not been reported in the literature in individuals affected with SLC6A8-related conditions. Experimental studies and prediction algorithms are not available or were not evaluated, and the effect of this variant on mRNA splicing is currently unknown. In summary, the available evidence is currently insufficient to determine the role of this variant in disease. Therefore, it has been classified as a Variant of Uncertain Significance.

NM_005629.4(SLC6A8):c.645-16_645-15inv

Gene: SLC6A8 (solute carrier family 6 member 8; plus strand). Cytogenetic location: Xq28.
Variant type: Inversion.
Coding change: c.645-16_645-15inv on transcript NM_005629.4 (MANE Select).
Molecular consequence: intron variant.
Genome position: GRCh38 VCF-style: chrX-153691959-TC-GA. GRCh37 (hg19) VCF-style: chrX-152957414-TC-GA.
Other names: c.645-16_645-15inv (NM_001142805.2); c.300-16_300-15inv (NM_001142806.1).
Identifiers: ClinVar variation 3012314 (VCV003012314.3), ClinGen allele CA2740090228.